The following is an entry in ClinVar:

NM_004519.4(KCNQ3):c.607A>G (p.Ile203Val)

Gene: KCNQ3 (potassium voltage-gated channel subfamily Q member 3; minus strand). Cytogenetic location: 8q24.22.
Variant type: single nucleotide variant.
Coding change: c.607A>G on transcript NM_004519.4 (MANE Select); coding-DNA position 607, A replaced by G.
Protein change: p.Ile203Val; replaces isoleucine 203 with valine.
Molecular consequence: missense variant.
Genome position (GRCh38, 1-based): chr8:132,180,327, T>C on the plus strand (A>G on the coding strand, the complement: KCNQ3 is on the minus strand). VCF-style: chr8-132180327-T-C. GRCh37 (hg19) VCF-style: chr8-133192574-T-C.
Other names: c.607A>G (NM_004519.3); c.247A>G, p.Ile83Val (NM_001204824.2); short protein forms I203V, I83V.
Identifiers: ClinVar variation 1015294 (VCV001015294.9), dbSNP rs370369681, ClinGen allele CA4880874.

ClinVar aggregate classification (germline): Uncertain significance. Review status: criteria provided, multiple submitters, no conflicts (2 of 4 stars). 2 submissions from 2 submitters: Uncertain significance (2). Last evaluated 2025-12-09.

Conditions:
Benign neonatal seizures. Also called: Benign familial neonatal epilepsy; Benign neonatal familial convulsions; Convulsions benign familial neonatal dominant form; Autosomal dominant form of benign neonatal seizures; Benign familial neonatal seizures. Identifiers: Orphanet 1949, MedGen C0220669, MONDO:0016027.
Inborn genetic diseases. Identifiers: MedGen C0950123, MeSH D030342.

Allele frequency attached by ClinVar (database versions not stated): gnomAD exomes below 0.00001 and 0.00001; ExAC 0.00001; TOPMed 0.00005; gnomAD 0.00007 and 0.00008; ESP Exome Variant Server 0.00015.
gnomAD v4.1: 12 of 1,613,866 alleles (0.00074%); highest among the groups gnomAD compares: African/African-American, 0.016%; no homozygotes.

Submissions (2):

Ambry Genetics
Classification: Uncertain significance for Inborn genetic diseases. Last evaluated: 2025-12-09. Review status: criteria provided, single submitter. Criteria: Ambry Variant Classification Scheme 2023. Collection method: clinical testing. Allele origin: germline.
Comment: The c.607A>G (p.I203V) alteration is located in exon 4 (coding exon 4) of the KCNQ3 gene. This alteration results from a A to G substitution at nucleotide position 607, causing the isoleucine (I) at amino acid position 203 to be replaced by a valine (V). Based on data from gnomAD, the G allele has an overall frequency of 0.003% (7/282260) total alleles studied. The highest observed frequency was 0.028% (7/24964) of African alleles. Based on insufficient or conflicting evidence, the clinical significance of this alteration remains unclear.

Labcorp Genetics (formerly Invitae), Labcorp
Classification: Uncertain significance for Benign neonatal seizures. Last evaluated: 2025-03-11. Review status: criteria provided, single submitter. Criteria: Invitae Variant Classification Sherloc (09022015). Collection method: clinical testing. Allele origin: germline.
Comment: This sequence change replaces isoleucine, which is neutral and non-polar, with valine, which is neutral and non-polar, at codon 203 of the KCNQ3 protein (p.Ile203Val). This variant is present in population databases (rs370369681, gnomAD 0.02%). This variant has not been reported in the literature in individuals affected with KCNQ3-related conditions. ClinVar contains an entry for this variant (Variation ID: 1015294). An algorithm developed to predict the effect of missense changes on protein structure and function (PolyPhen-2) suggests that this variant is likely to be disruptive. In summary, the available evidence is currently insufficient to determine the role of this variant in disease. Therefore, it has been classified as a Variant of Uncertain Significance.